The following is an entry in ClinVar:

ClinVar aggregate classification (germline): Uncertain significance (1 of 4 stars; one submission).

Conditions:
Hereditary cancer-predisposing syndrome. Also called: Neoplastic Syndromes, Hereditary; Tumor predisposition; Hereditary neoplastic syndrome; Hereditary Cancer Syndrome. Identifiers: Orphanet 140162, MedGen C0027672, MeSH D009386, MONDO:0015356.

Submission:

Ambry Genetics
Classification: Uncertain significance for Hereditary cancer-predisposing syndrome. Last evaluated: 2026-08-21. Review status: criteria provided, single submitter. Criteria: Ambry Variant Classification Scheme 2023. Collection method: clinical testing. Allele origin: germline.
Comment: The p.L744H variant (also known as c.2231T>A), located in coding exon 14 of the PTCH1 gene, results from a T to A substitution at nucleotide position 2231. The leucine at codon 744 is replaced by histidine, an amino acid with similar properties. This amino acid position is conserved. In addition, this alteration is predicted to be deleterious by in silico analysis. Based on the available evidence, the clinical significance of this variant remains unclear.

NM_000264.5(PTCH1):c.2231T>A (p.Leu744His)

Genes: PTCH1 (patched 1; minus strand), LOC100507346 (uncharacterized LOC100507346; plus strand). Cytogenetic location: 9q22.32.
Variant type: single nucleotide variant.
Coding change: c.2231T>A on transcript NM_000264.5 (MANE Select); coding-DNA position 2231, T replaced by A.
Protein change: p.Leu744His; replaces leucine 744 with histidine.
Molecular consequence: missense variant. On other transcripts: non-coding transcript variant (2).
Genome position (GRCh38, 1-based): chr9:95,468,770, A>T on the plus strand (T>A on the coding strand, the complement: PTCH1 is on the minus strand). VCF-style: chr9-95468770-A-T. GRCh37 (hg19) VCF-style: chr9-98231052-A-T.
Other names: c.2033T>A, p.Leu678His (NM_001083602.3); c.2228T>A, p.Leu743His (NM_001083603.3); c.1778T>A, p.Leu593His (NM_001083604.3, NM_001083605.3, NM_001083606.3 and 1 more transcripts); c.2075T>A, p.Leu692His (NM_001354918.2); short protein forms L593H, L678H, L692H, L743H, L744H.
Identifiers: ClinVar variation 5027549 (VCV005027549.1).